The following is an entry in ClinVar:

NM_001122955.4(BSCL2):c.802A>G (p.Ser268Gly)

Genes: BSCL2 (BSCL2 lipid droplet biogenesis associated, seipin; minus strand), HNRNPUL2-BSCL2 (HNRNPUL2-BSCL2 readthrough (NMD candidate); minus strand). Cytogenetic location: 11q12.3.
Variant type: single nucleotide variant.
Coding change: c.802A>G on transcript NM_001122955.4 (MANE Select); coding-DNA position 802, A replaced by G.
Protein change: p.Ser268Gly; replaces serine 268 with glycine.
Molecular consequence: missense variant. On other transcripts: non-coding transcript variant (1).
Genome position (GRCh38, 1-based): chr11:62,692,437, T>C on the plus strand (A>G on the coding strand, the complement: BSCL2 is on the minus strand). VCF-style: chr11-62692437-T-C. GRCh37 (hg19) VCF-style: chr11-62459909-T-C.
Other names: c.610A>G, p.Ser204Gly (NM_001130702.2, NM_032667.6); c.802A>G, p.Ser268Gly (NM_001386027.1, NM_001386028.1); short protein forms S204G, S268G.
Identifiers: ClinVar variation 3774291 (VCV003774291.2).

ClinVar aggregate classification (germline): Uncertain significance (1 of 4 stars; one submission).

Submission:

GeneDx
Classification: Uncertain significance. Last evaluated: 2026-01-17. Review status: criteria provided, single submitter. Criteria: GeneDx Variant Classification Process June 2021. Collection method: clinical testing. Allele origin: germline.
Comment: Not observed at significant frequency in large population cohorts (gnomAD); In silico analysis supports that this missense variant has a deleterious effect on protein structure/function; Has not been previously published as pathogenic or benign to our knowledge